The following is an entry in ClinVar:

NM_006206.6(PDGFRA):c.2675-14dup

Gene: PDGFRA (platelet derived growth factor receptor alpha; plus strand). Cytogenetic location: 4q12.
Variant type: Duplication.
Coding change: c.2675-14dup on transcript NM_006206.6 (MANE Select); 14 bases into the intron before coding-DNA position 2675, one base duplicated (T; older notation c.2675-14dupT).
Molecular consequence: intron variant.
Genome position (GRCh38, 1-based): chr4:54,288,785, T duplicated; the last of 2 consecutive T bases (chr4:54,288,784-54,288,785); duplicating either gives the same sequence. VCF-style (leftmost placement, unchanged base first): chr4-54288783-A-AT. GRCh37 (hg19) VCF-style: chr4-55154950-A-AT.
Other names: c.2750-14dup (NM_001347828.2); c.2675-14dup (NM_001347829.2); c.2714-14dup (NM_001347830.2).
Identifiers: ClinVar variation 1572104 (VCV001572104.9), dbSNP rs1266828106, ClinGen allele CA551371538.
Genomic context (GRCh38, chr4:54,288,783, plus strand): 5'-GTGTTCTATCATGCCAAGTGTTTCAGCAATGCACTGAGCGTTTGTTAGTCCTGGTGTTTT[A>AT]TTGTTTGGCTTTTAGGTGGCACCCCTTACCCCGGCATGATGGTGGATTCTACTTTCTACA-3'

ClinVar aggregate classification (germline): Likely benign. Review status: criteria provided, multiple submitters, no conflicts (2 of 4 stars). 2 submissions from 2 submitters: Likely benign (2). Last evaluated 2026-06-15.

Conditions:
Polyps, multiple and recurrent inflammatory fibroid, gastrointestinal. Identifiers: MedGen C5193005, MONDO:0008285, OMIM 175510.
Gastrointestinal stromal tumor. Also called: Gastrointestinal stromal tumor, somatic; Gastrointestinal stroma tumor. Identifiers: Orphanet 44890, MedGen C0238198, MeSH D046152, MONDO:0011719, OMIM 606764, HP:0100723.

Submissions (2):

Myriad Genetics, Inc.
Classification: Likely benign for Polyps, multiple and recurrent inflammatory fibroid, gastrointestinal. Last evaluated: 2026-06-15. Review status: criteria provided, single submitter. Criteria: Myriad Autosomal Dominant, Autosomal Recessive and X-Linked Classification Criteria (2023). Collection method: clinical testing. Allele origin: unknown.
Comment: This variant is considered likely benign. This variant is intronic and is not expected to impact mRNA splicing.

Labcorp Genetics (formerly Invitae), Labcorp
Classification: Likely benign for Gastrointestinal stromal tumor. Last evaluated: 2025-11-17. Review status: criteria provided, single submitter. Criteria: Invitae Variant Classification Sherloc (09022015). Collection method: clinical testing. Allele origin: germline.